The following is an entry in ClinVar:

ClinVar aggregate classification (germline): Pathogenic (1 of 4 stars; one submission).

Conditions:
Androgen resistance syndrome (AIS). Also called: Androgen insensitivity, complete; Androgen insensitivity syndrome due to coactivator deficiency; Androgen insensitivity syndrome; Androgen insensitivity; ANDROGEN RECEPTOR DEFICIENCY; DIHYDROTESTOSTERONE RECEPTOR DEFICIENCY. Identifiers: Orphanet 754, Orphanet 99429, MedGen C0039585, MONDO:0019154, OMIM 300068. Disease mechanism: loss of function.
Kennedy disease (SMAX1). Also called: Spinal and Bulbar Muscular Atrophy; SPINAL AND BULBAR MUSCULAR ATROPHY, X-LINKED 1; KENNEDY SPINAL AND BULBAR MUSCULAR ATROPHY. Identifiers: Orphanet 481, MedGen C1839259, MONDO:0010735, OMIM 313200.

Submission:

Labcorp Genetics (formerly Invitae), Labcorp
Classification: Pathogenic for Bulbo-spinal atrophy X-linked; Androgen resistance syndrome. Last evaluated: 2018-12-07. Review status: criteria provided, single submitter. Criteria: Invitae Variant Classification Sherloc (09022015). Collection method: clinical testing. Allele origin: germline.
Comment: This sequence change creates a premature translational stop signal (p.Lys633*) in the AR gene. It is expected to result in an absent or disrupted protein product. This variant is not present in population databases (ExAC no frequency). This variant has not been reported in the literature in individuals with AR-related conditions. Loss-of-function variants in AR are known to be pathogenic (PMID: 19463997). For these reasons, this variant has been classified as Pathogenic.

NM_000044.6(AR):c.1897A>T (p.Lys633Ter)

Gene: AR (androgen receptor; plus strand). Cytogenetic location: Xq12.
Variant type: single nucleotide variant.
Coding change: c.1897A>T on transcript NM_000044.6 (MANE Select); coding-DNA position 1897, A replaced by T.
Protein change: p.Lys633Ter; replaces lysine 633 with a stop codon.
Molecular consequence: nonsense.
Genome position (GRCh38, 1-based): chrX:67,711,413, A>T. VCF-style: chrX-67711413-A-T. GRCh37 (hg19) VCF-style: chrX-66931255-A-T.
Other names: c.301A>T, p.Lys101Ter (NM_001011645.3); short protein forms K101*, K633*.
Identifiers: ClinVar variation 650823 (VCV000650823.1), dbSNP rs1602272308, ClinGen allele CA413422968.
Genomic context (GRCh38, chrX:67,711,413, plus strand): 5'-TGTTTTTGACCACTGATGATAAATTCAAGTCTCTCTTCCTTCCCAATAGCCCGGAAGCTG[A>T]AGAAACTTGGTAATCTGAAACTACAGGAGGAAGGAGAGGCTTCCAGCACCACCAGCCCCA-3'